The following is an entry in ClinVar:

NM_017866.6(TMEM70):c.434A>G (p.Tyr145Cys)

Gene: TMEM70 (transmembrane protein 70; plus strand). Cytogenetic location: 8q21.11.
Variant type: single nucleotide variant.
Coding change: c.434A>G on transcript NM_017866.6 (MANE Select); coding-DNA position 434, A replaced by G.
Protein change: p.Tyr145Cys; replaces tyrosine 145 with cysteine.
Molecular consequence: missense variant. On other transcripts: 3 prime UTR variant (1), non-coding transcript variant (1).
Genome position (GRCh38, 1-based): chr8:73,981,272, A>G. VCF-style: chr8-73981272-A-G. GRCh37 (hg19) VCF-style: chr8-74893507-A-G.
Other names: c.*124A>G (NM_001040613.3); short protein forms Y145C.
Identifiers: ClinVar variation 652182 (VCV000652182.8), dbSNP rs111248269, ClinGen allele CA4784054.
Genomic context (GRCh38, chr8:73,981,272, plus strand): 5'-TTTTTACACAAAATAATGCTATTTCTGAAAGTGTGCCTCTGCCTATTCAAATCATATTCT[A>G]TGGCATCATGGGAAGCTTTACGGTGATCACCCCAGTGCTGCTTCACTTTATTACAAAAGG-3'
Protein context (NP_060336.3, residues 135-155): SVPLPIQIIF[Tyr145Cys]GIMGSFTVIT

ClinVar aggregate classification (germline): Conflicting classifications of pathogenicity. Review status: criteria provided, conflicting classifications (1 of 4 stars). 4 submissions from 4 submitters: Uncertain significance (2); Likely benign (2). Last evaluated 2025-01-16.

Conditions:
Inborn genetic diseases. Identifiers: MedGen C0950123, MeSH D030342.
Mitochondrial complex V (ATP synthase) deficiency, nuclear type 2. Also called: Nuclear-Encoded ATPase Deficiency, TMEM70-Related; ENCEPHALOCARDIOMYOPATHY, MITOCHONDRIAL, NEONATAL, DUE TO ATP SYNTHASE DEFICIENCY; MITOCHONDRIAL COMPLEX V (ATP SYNTHASE) DEFICIENCY, TMEM70 TYPE. Identifiers: Orphanet 1194, MedGen C3279699, MONDO:0013546, OMIM 614052.

Allele frequency attached by ClinVar (database versions not stated): gnomAD 0.00015 and 0.00012; 1000 Genomes Project 30x 0.00016; 1000 Genomes Project 0.00020; gnomAD exomes 0.00003 and 0.00004; ExAC 0.00005; ESP Exome Variant Server 0.00008; TOPMed 0.00011.
gnomAD v4.1: 68 of 1,614,088 alleles (0.0042%); highest among the groups gnomAD compares: African/African-American, 0.04%; no homozygotes.

Submissions (4):

Ambry Genetics
Classification: Likely benign for Inborn genetic diseases. Last evaluated: 2025-01-16. Review status: criteria provided, single submitter. Criteria: Ambry Variant Classification Scheme 2023. Collection method: clinical testing. Allele origin: germline.

GeneDx
Classification: Uncertain significance. Last evaluated: 2024-09-27. Review status: criteria provided, single submitter. Criteria: GeneDx Variant Classification Process June 2021. Collection method: clinical testing. Allele origin: germline. Affected: yes.
Comment: In silico analysis indicates that this missense variant does not alter protein structure/function; Has not been previously published as pathogenic or benign to our knowledge

3billion
Classification: Likely benign for Mitochondrial complex V (ATP synthase) deficiency, nuclear type 2. Last evaluated: 2024-09-20. Review status: criteria provided, single submitter. Criteria: ACMG Guidelines, 2015. Collection method: clinical testing. Allele origin: germline. Affected: no.
Comment: The homozygous variant was found in patients diagnosed with another variant in a different gene, with no symptoms related to the gene containing the homozygous variant.

Labcorp Genetics (formerly Invitae), Labcorp
Classification: Uncertain significance for Mitochondrial complex V (ATP synthase) deficiency, nuclear type 2. Last evaluated: 2022-07-25. Review status: criteria provided, single submitter. Criteria: Invitae Variant Classification Sherloc (09022015). Collection method: clinical testing. Allele origin: germline.
Comment: This sequence change replaces tyrosine, which is neutral and polar, with cysteine, which is neutral and slightly polar, at codon 145 of the TMEM70 protein (p.Tyr145Cys). This variant is present in population databases (rs111248269, gnomAD 0.03%). This variant has not been reported in the literature in individuals affected with TMEM70-related conditions. ClinVar contains an entry for this variant (Variation ID: 652182). Algorithms developed to predict the effect of missense changes on protein structure and function output the following: SIFT: "Tolerated"; PolyPhen-2: "Benign"; Align-GVGD: "Class C0". The cysteine amino acid residue is found in multiple mammalian species, which suggests that this missense change does not adversely affect protein function. In summary, the available evidence is currently insufficient to determine the role of this variant in disease. Therefore, it has been classified as a Variant of Uncertain Significance.